The following is an entry in ClinVar:

NM_000529.2(MC2R):c.434_440del (p.Arg145fs)

Gene: MC2R (melanocortin 2 receptor; minus strand). Cytogenetic location: 18p11.21.
Variant type: Deletion.
Coding change: c.434_440del on transcript NM_000529.2 (MANE Select); coding-DNA positions 434 to 440, 7 bases deleted (GCCGCAC; older notation c.434_440delGCCGCAC).
Protein change: p.Arg145fs; shifts the reading frame from arginine 145.
Molecular consequence: frameshift variant.
Genome position (GRCh38, 1-based): chr18:13,885,079-13,885,085, GTGCGGC deleted on the plus strand (GCCGCAC on the coding strand, the reverse complement: MC2R is on the minus strand); deleting any 7 consecutive bases within chr18:13,885,079-13,885,086 gives the same sequence; the c. name uses the placement nearest the transcript's 3' end. VCF-style (leftmost placement, unchanged base first): chr18-13885078-AGTGCGGC-A. GRCh37 (hg19) VCF-style: chr18-13885077-AGTGCGGC-A.
Other names: c.434_440del, p.Arg145fs (NM_001291911.1); short protein forms R145fs.
Identifiers: ClinVar variation 3775355 (VCV003775355.1).

ClinVar aggregate classification (germline): Likely pathogenic (1 of 4 stars; one submission).

Conditions:
Glucocorticoid deficiency 1 (GCCD1). Also called: FAMILIAL GLUCOCORTICOID DEFICIENCY 1; Adrenal unresponsiveness to acth; Glucocorticoid deficiency, due to ACTH unresponsiveness. Identifiers: Orphanet 361, MedGen C4049650, MONDO:0024536, OMIM 202200.

Submission:

3billion
Classification: Likely pathogenic for Glucocorticoid deficiency 1. Last evaluated: 2023-06-01. Review status: criteria provided, single submitter. Criteria: ACMG Guidelines, 2015. Collection method: clinical testing. Allele origin: germline. Affected: yes.
Comment: The variant is not observed in the gnomAD v2.1.1 dataset. Predicted Consequence/Location: Frameshift: predicted to result in a loss or disruption of normal protein function through protein truncation. The predicted truncated protein may be shortened by more than 10%. Therefore, this variant is classified as Likely pathogenic according to the recommendation of ACMG/AMP guideline.